The following is an entry in ClinVar:

NM_020812.4(DOCK6):c.6099C>G (p.Leu2033=)

Gene: DOCK6 (dedicator of cytokinesis 6; minus strand). Cytogenetic location: 19p13.2.
Variant type: single nucleotide variant.
Coding change: c.6099C>G on transcript NM_020812.4 (MANE Select); coding-DNA position 6099, C replaced by G.
Protein change: p.Leu2033=; no amino-acid change (leucine 2033 retained).
Molecular consequence: synonymous variant.
Genome position (GRCh38, 1-based): chr19:11,200,310, G>C on the plus strand (C>G on the coding strand, the complement: DOCK6 is on the minus strand). VCF-style: chr19-11200310-G-C. GRCh37 (hg19) VCF-style: chr19-11310986-G-C.
Other names: c.6204C>G, p.Leu2068= (NM_001367830.1).
Identifiers: ClinVar variation 1313344 (VCV001313344.5), dbSNP rs541964125, ClinGen allele CA305301733.

ClinVar aggregate classification (germline): Uncertain significance. Review status: criteria provided, multiple submitters, no conflicts (2 of 4 stars). 2 submissions from 2 submitters: Uncertain significance (2). Last evaluated 2025-05-12.

Allele frequency attached by ClinVar (database versions not stated): gnomAD 0.00001 and 0.00002; gnomAD exomes 0.00001 and 0.00003; TOPMed 0.00002; 1000 Genomes Project 0.00040; 1000 Genomes Project 30x 0.00062.
gnomAD v4.1: 10 of 1,563,046 alleles (0.00064%); highest among the groups gnomAD compares: Admixed American, 0.019%; no homozygotes.

Submissions (2):

GeneDx
Classification: Uncertain significance. Last evaluated: 2025-05-12. Review status: criteria provided, single submitter. Criteria: GeneDx Variant Classification Process June 2021. Collection method: clinical testing. Allele origin: germline. Affected: yes.
Comment: In silico analysis suggests that this variant does not alter splicing; Has not been previously published as pathogenic or benign to our knowledge

Labcorp Genetics (formerly Invitae), Labcorp
Classification: Uncertain significance. Last evaluated: 2022-05-12. Review status: criteria provided, single submitter. Criteria: Invitae Variant Classification Sherloc (09022015). Collection method: clinical testing. Allele origin: germline.
Comment: This variant is present in population databases (rs541964125, gnomAD 0.02%). This sequence change affects codon 2033 of the DOCK6 mRNA. It is a 'silent' change, meaning that it does not change the encoded amino acid sequence of the DOCK6 protein. This variant has not been reported in the literature in individuals affected with DOCK6-related conditions. ClinVar contains an entry for this variant (Variation ID: 1313344). Algorithms developed to predict the effect of sequence changes on RNA splicing suggest that this variant may create or strengthen a splice site. In summary, the available evidence is currently insufficient to determine the role of this variant in disease. Therefore, it has been classified as a Variant of Uncertain Significance.